The following is an entry in ClinVar:

ClinVar aggregate classification (germline): Uncertain significance (1 of 4 stars; one submission).

Conditions:
Hereditary cancer-predisposing syndrome. Also called: Neoplastic Syndromes, Hereditary; Tumor predisposition; Hereditary Cancer Syndrome; Hereditary neoplastic syndrome. Identifiers: Orphanet 140162, MedGen C0027672, MeSH D009386, MONDO:0015356.

Submission:

Ambry Genetics
Classification: Uncertain significance for Hereditary cancer-predisposing syndrome. Last evaluated: 2020-01-21. Review status: criteria provided, single submitter. Criteria: Ambry Variant Classification Scheme 2023. Collection method: clinical testing. Allele origin: germline.
Comment: The p.S381R variant (also known as c.1143T>A), located in coding exon 4 of the BARD1 gene, results from a T to A substitution at nucleotide position 1143. The serine at codon 381 is replaced by arginine, an amino acid with dissimilar properties. This amino acid position is not well conserved in available vertebrate species. In addition, this alteration is predicted to be tolerated by in silico analysis. Since supporting evidence is limited at this time, the clinical significance of this alteration remains unclear.

NM_000465.4(BARD1):c.1143T>A (p.Ser381Arg)

Gene: BARD1 (BRCA1 associated RING domain 1; minus strand). Cytogenetic location: 2q35.
Variant type: single nucleotide variant.
Coding change: c.1143T>A on transcript NM_000465.4 (MANE Select); coding-DNA position 1143, T replaced by A.
Protein change: p.Ser381Arg; replaces serine 381 with arginine.
Molecular consequence: missense variant. On other transcripts: non-coding transcript variant (2), intron variant (3).
Genome position (GRCh38, 1-based): chr2:214,780,731, A>T on the plus strand (T>A on the coding strand, the complement: BARD1 is on the minus strand). VCF-style: chr2-214780731-A-T. GRCh37 (hg19) VCF-style: chr2-215645455-A-T.
Other names: c.1086T>A, p.Ser362Arg (NM_001282543.2); c.159-28176T>A (NM_001282548.2); c.215+16330T>A (NM_001282545.2); c.364+11566T>A (NM_001282549.2); short protein forms S381R, S362R.
Identifiers: ClinVar variation 1731936 (VCV001731936.2), dbSNP rs2469503129, ClinGen allele CA350453974.
Genomic context (GRCh38, chr2:214,780,731, plus strand): 5'-ACTACTTAATGTAGAAGGTGGTGTACCTGGTGAAAGACTAATGAATTCATCGGACATGTT[A>T]CTGTTTTTCCTCCCTGATGTACCACCAACTTTACGTTTGCATGAAGGTGGTGAAGAACAT-3'
Protein context (NP_000456.2, residues 371-391): KVGGTSGRKN[Ser381Arg]NMSDEFISLS